The following is an entry in ClinVar:

NM_031466.8(TRAPPC9):c.-243C>T

Gene: TRAPPC9 (trafficking protein particle complex subunit 9; minus strand). Cytogenetic location: 8q24.3.
Variant type: single nucleotide variant.
Coding change: c.-243C>T on transcript NM_031466.8; 243 bases upstream of the start codon, C replaced by T.
Molecular consequence: 5 prime UTR variant.
Genome position (GRCh38, 1-based): chr8:140,458,513, G>A on the plus strand (C>T on the coding strand, the complement: TRAPPC9 is on the minus strand). VCF-style: chr8-140458513-G-A. GRCh37 (hg19) VCF-style: chr8-141468612-G-A.
Identifiers: ClinVar variation 1704146 (VCV001704146.3), dbSNP rs761106917, ClinGen allele CA4893892.
Genomic context (GRCh38, chr8:140,458,513, plus strand): 5'-CCTGGGAGCGCCTCCAGGATCGCAGGGCCCGGGAGGCACGTGAGGTGCGAGCCCCAGCCT[G>A]GGCCGGCTTCCCCCTGTGTGGCGCGCGGTCTTGATCCCCAGCTGGCACCATGGCACTCCC-3'

ClinVar aggregate classification (germline): Likely pathogenic (1 of 4 stars; one submission).

Allele frequency attached by ClinVar (database versions not stated): ExAC 0.00007.
gnomAD v4.1: 8 of 1,583,386 alleles (0.00051%); highest among the groups gnomAD compares: South Asian, 0.0058%; no homozygotes.

Submission:

GeneDx
Classification: Likely pathogenic. Last evaluated: 2026-10-15. Review status: criteria provided, single submitter. Criteria: GeneDx Variant Classification Process June 2021. Collection method: clinical testing. Allele origin: germline.
Comment: Nonsense variant predicted to result in protein truncation or nonsense mediated decay in a gene for which loss of function is a known mechanism of disease; Not observed at significant frequency in large population cohorts (gnomAD); Has not been previously published as pathogenic or benign to our knowledge; This variant is associated with the following publications: (PMID: 41821366)